The following is an entry in ClinVar:

ClinVar aggregate classification (germline): Uncertain significance. Review status: criteria provided, multiple submitters, no conflicts (2 of 4 stars). 2 submissions from 2 submitters: Uncertain significance (2). Last evaluated 2026-04-20.

Conditions:
Inborn genetic diseases. Identifiers: MedGen C0950123, MeSH D030342.

Allele frequency attached by ClinVar (database versions not stated): TOPMed 0.00002; gnomAD 0.00003.

Submissions (2):

Ambry Genetics
Classification: Uncertain significance for Inborn genetic diseases. Last evaluated: 2026-04-20. Review status: criteria provided, single submitter. Criteria: Ambry Variant Classification Scheme 2023. Collection method: clinical testing. Allele origin: germline.

CeGaT Center for Human Genetics Tuebingen
Classification: Uncertain significance. Last evaluated: 2023-10-01. Review status: criteria provided, single submitter. Criteria: CeGaT Center For Human Genetics Tuebingen Variant Classification Criteria Version 2. Collection method: clinical testing. Allele origin: germline. Affected: yes. Observed: 1 variant allele.
Comment: KCTD17: PVS1:Supporting

NM_001282684.2(KCTD17):c.1A>T (p.Met1Leu)

Genes: KCTD17 (potassium channel tetramerization domain containing 17; plus strand), LOC130067340 (ATAC-STARR-seq lymphoblastoid silent region 13677; plus strand). Cytogenetic location: 22q12.3.
Variant type: single nucleotide variant.
Coding change: c.1A>T on transcript NM_001282684.2 (MANE Select); coding-DNA position 1, A replaced by T.
Protein change: p.Met1Leu; changes the start codon (methionine 1).
Molecular consequence: missense variant, initiator codon variant.
Genome position (GRCh38, 1-based): chr22:37,051,761, A>T. VCF-style: chr22-37051761-A-T. GRCh37 (hg19) VCF-style: chr22-37447801-A-T.
Other names: c.1A>T, p.Met1Leu (NM_001282685.2, NM_001282686.2, NM_024681.4); c.22A>T (NM_024681.2); short protein forms M1L.
Identifiers: ClinVar variation 2653111 (VCV002653111.25), dbSNP rs995435594, ClinGen allele CA324031425.